The following is an entry in ClinVar:

NM_153026.3(PRICKLE1):c.-11C>A

Gene: PRICKLE1 (prickle planar cell polarity protein 1; minus strand). Cytogenetic location: 12q12.
Variant type: single nucleotide variant.
Coding change: c.-11C>A on transcript NM_153026.3 (MANE Select); 11 bases upstream of the start codon, C replaced by A.
Molecular consequence: 5 prime UTR variant.
Genome position (GRCh38, 1-based): chr12:42,472,527, G>T on the plus strand (C>A on the coding strand, the complement: PRICKLE1 is on the minus strand). VCF-style: chr12-42472527-G-T. GRCh37 (hg19) VCF-style: chr12-42866329-G-T.
Other names: c.-11C>A (NM_001144881.2, NM_001144882.2, NM_001144883.2).
Identifiers: ClinVar variation 3385222 (VCV003385222.1).

ClinVar aggregate classification (germline): Uncertain significance (1 of 4 stars; one submission).

gnomAD v4.1: 17 of 1,613,992 alleles (0.0011%); highest among the groups gnomAD compares: African/African-American, 0.023%; no homozygotes.

Submission:

Women's Health and Genetics/Laboratory Corporation of America, LabCorp
Classification: Uncertain significance. Last evaluated: 2024-10-17. Review status: criteria provided, single submitter. Criteria: LabCorp Variant Classification Summary - May 2015. Collection method: clinical testing. Allele origin: germline.
Comment: Variant summary: PRICKLE1 c.-11C>A is located in the untranslated mRNA region upstream of the initiation codon. The variant allele was found at a frequency of 2e-05 in 251296 control chromosomes. The available data on variant occurrences in the general population are insufficient to allow any conclusion about variant significance. To our knowledge, no occurrence of c.-11C>A in individuals affected with Epilepsy, progressive myoclonic, 1B and no experimental evidence demonstrating its impact on protein function have been reported. No submitters have cited clinical-significance assessments for this variant to ClinVar. Based on the evidence outlined above, the variant was classified as uncertain significance.